The following is an entry in ClinVar:

NM_205768.3(ZBTB18):c.44A>G (p.His15Arg)

Gene: ZBTB18 (zinc finger and BTB domain containing 18; plus strand). Cytogenetic location: 1q44.
Variant type: single nucleotide variant.
Coding change: c.44A>G on transcript NM_205768.3 (MANE Select); coding-DNA position 44, A replaced by G.
Protein change: p.His15Arg; replaces histidine 15 with arginine.
Molecular consequence: missense variant.
Genome position (GRCh38, 1-based): chr1:244,053,818, A>G. VCF-style: chr1-244053818-A-G. GRCh37 (hg19) VCF-style: chr1-244217120-A-G.
Other names: c.17A>G, p.His6Arg (NM_001278196.2, NM_006352.5); c.44A>G, p.His15Arg (NM_001421566.1); short protein forms H15R, H6R.
Identifiers: ClinVar variation 4070586 (VCV004070586.2).
Genomic context (GRCh38, chr1:244,053,818, plus strand): 5'-GGCTCTAATGAGAAATTCCTCTCTCCCCAGGTTATGAAGACAGTATGGAGTTTCCAGACC[A>G]TAGTAGACATTTGCTACAGTGTCTGAGCGAGCAGAGACACCAGGGTTTTCTTTGTGACTG-3'
Protein context (NP_991331.1, residues 5-25): GYEDSMEFPD[His15Arg]SRHLLQCLSE

ClinVar aggregate classification (germline): Pathogenic/Likely pathogenic. Review status: criteria provided, multiple submitters, no conflicts (2 of 4 stars). 2 submissions from 2 submitters: Pathogenic (1); Likely pathogenic (1). Last evaluated 2026-08-03.

Conditions:
Intellectual developmental disorder, autosomal dominant 22. Also called: Intellectual disability, autosomal dominant 22. Identifiers: MedGen CN029689, MONDO:0012869, OMIM 612337.

Submissions (2):

Institute of Medical Genetics and Applied Genomics, University Hospital Tübingen
Classification: Likely pathogenic for Intellectual developmental disorder, autosomal dominant 22. Last evaluated: 2026-08-03. Review status: criteria provided, single submitter. Criteria: ACMG Guidelines, 2015. Collection method: clinical testing. Allele origin: de novo. Inheritance: Autosomal dominant inheritance. Affected: yes.

GeneDx
Classification: Pathogenic. Last evaluated: 2025-01-15. Review status: criteria provided, single submitter. Criteria: GeneDx Variant Classification Process June 2021. Collection method: clinical testing. Allele origin: germline. Affected: yes.
Comment: In silico analysis supports that this missense variant has a deleterious effect on protein structure/function; Not observed at significant frequency in large population cohorts (gnomAD); This variant is associated with the following publications: (PMID: 28283832)